The following is an entry in ClinVar:

ClinVar aggregate classification (germline): Uncertain significance. Review status: criteria provided, multiple submitters, no conflicts (2 of 4 stars). 2 submissions from 2 submitters: Uncertain significance (2). Last evaluated 2025-08-27.

Conditions:
Familial adenomatous polyposis 2. Also called: COLORECTAL ADENOMATOUS POLYPOSIS, AUTOSOMAL RECESSIVE; ADENOMAS, MULTIPLE COLORECTAL, AUTOSOMAL RECESSIVE; MYH-associated polyposis; MUTYH Polyposis; Adenomas, multiple colorectal; MUTYH-associated polyposis. Identifiers: Orphanet 220460, Orphanet 247798, MedGen C3272841, MONDO:0012041, OMIM 608456.
Hereditary cancer-predisposing syndrome. Also called: Tumor predisposition; Neoplastic Syndromes, Hereditary; Hereditary Cancer Syndrome; Hereditary neoplastic syndrome. Identifiers: Orphanet 140162, MedGen C0027672, MeSH D009386, MONDO:0015356.

Submissions (2):

Ambry Genetics
Classification: Uncertain significance for Hereditary cancer-predisposing syndrome. Last evaluated: 2025-08-27. Review status: criteria provided, single submitter. Criteria: Ambry Variant Classification Scheme 2023. Collection method: clinical testing. Allele origin: germline.
Comment: The p.S24R variant (also known as c.72T>A), located in coding exon 2 of the MUTYH gene, results from a T to A substitution at nucleotide position 72. The serine at codon 24 is replaced by arginine, an amino acid with dissimilar properties. This amino acid position is conserved. In addition, this alteration is predicted to be tolerated by in silico analysis. Based on the available evidence, the clinical significance of this variant remains unclear.

Labcorp Genetics (formerly Invitae), Labcorp
Classification: Uncertain significance for Familial adenomatous polyposis 2. Last evaluated: 2018-10-31. Review status: criteria provided, single submitter. Criteria: Invitae Variant Classification Sherloc (09022015). Collection method: clinical testing. Allele origin: germline.
Comment: In summary, the available evidence is currently insufficient to determine the role of this variant in disease. Therefore, it has been classified as a Variant of Uncertain Significance. Algorithms developed to predict the effect of missense changes on protein structure and function output the following: SIFT: "Tolerated"; PolyPhen-2: "Benign"; Align-GVGD: "Class C0". The arginine amino acid residue is found in multiple mammalian species, suggesting that this missense change does not adversely affect protein function. These predictions have not been confirmed by published functional studies and their clinical significance is uncertain. This variant has not been reported in the literature in individuals with MUTYH-related disease. This variant is not present in population databases (ExAC no frequency). This sequence change replaces serine with arginine at codon 24 of the MUTYH protein (p.Ser24Arg). The serine residue is moderately conserved and there is a moderate physicochemical difference between serine and arginine.

NM_001048174.2(MUTYH):c.30T>A (p.Ser10Arg)

Gene: MUTYH (mutY DNA glycosylase; minus strand). Cytogenetic location: 1p34.1.
Variant type: single nucleotide variant.
Coding change: c.30T>A on transcript NM_001048174.2 (MANE Select); coding-DNA position 30, T replaced by A.
Protein change: p.Ser10Arg; replaces serine 10 with arginine.
Molecular consequence: missense variant. On other transcripts: 5 prime UTR variant (4), non-coding transcript variant (2).
Genome position (GRCh38, 1-based): chr1:45,334,476, A>T on the plus strand (T>A on the coding strand, the complement: MUTYH is on the minus strand). VCF-style: chr1-45334476-A-T. GRCh37 (hg19) VCF-style: chr1-45800148-A-T.
Other names: c.30T>A, p.Ser10Arg (NM_001048171.2, NM_001048172.2, NM_001048173.2 and 2 more transcripts); c.72T>A, p.Ser24Arg (NM_001128425.2, NM_001293190.2, NM_012222.3); c.-183T>A (NM_001293192.2, NM_001293196.2); c.-242T>A (NM_001350650.2); c.-178T>A (NM_001350651.2); short protein forms S10R, S24R.
Identifiers: ClinVar variation 666194 (VCV000666194.9), dbSNP rs1570466003, ClinGen allele CA340137186.